The following is an entry in ClinVar:

NM_000179.3(MSH6):c.2097G>A (p.Glu699=)

Gene: MSH6 (mutS homolog 6; plus strand). Cytogenetic location: 2p16.3.
Variant type: single nucleotide variant.
Coding change: c.2097G>A on transcript NM_000179.3 (MANE Select); coding-DNA position 2097, G replaced by A.
Protein change: p.Glu699=; no amino-acid change (glutamic acid 699 retained).
Molecular consequence: synonymous variant. On other transcripts: non-coding transcript variant (5), intron variant (2).
Genome position (GRCh38, 1-based): chr2:47,800,080, G>A. VCF-style: chr2-47800080-G-A. GRCh37 (hg19) VCF-style: chr2-48027219-G-A.
Other names: c.1707G>A, p.Glu569= (NM_001281492.2); c.1191G>A, p.Glu397= (NM_001281493.2, NM_001281494.2, NM_001406811.1 and 6 more transcripts); c.2193G>A, p.Glu731= (NM_001406795.1, NM_001406802.1); c.2097G>A, p.Glu699= (NM_001406796.1, NM_001406798.1, NM_001406800.1 and 3 more transcripts); c.1800G>A, p.Glu600= (NM_001406797.1, NM_001406801.1, NM_001406805.1 and 10 more transcripts); c.1572G>A, p.Glu524= (NM_001406799.1, NM_001406806.1, NM_001406807.1); c.2019G>A, p.Glu673= (NM_001406804.1); c.2103G>A, p.Glu701= (NM_001406813.1); and 3 more.
Identifiers: ClinVar variation 3903722 (VCV003903722.1).
Genomic context (GRCh38, chr2:47,800,080, plus strand): 5'-GGCCCTCTCTGCTCTAGGTGGTTGTGTCTTCTACCTCAAAAAATGCCTTATTGATCAGGA[G>A]CTTTTATCAATGGCTAATTTTGAAGAATATATTCCCTTGGATTCTGACACAGTCAGCACT-3'
Protein context (NP_000170.1, residues 689-709): FYLKKCLIDQ[Glu699=]LLSMANFEEY

ClinVar aggregate classification (germline): Benign (1 of 4 stars; one submission).

Conditions:
Lynch syndrome 5 (LYNCH5). Also called: Colorectal cancer, hereditary nonpolyposis, type 5; Hereditary non-polyposis colorectal cancer, type 5. Identifiers: Orphanet 144, MedGen C1833477, MONDO:0013710, OMIM 614350. Disease mechanism: loss of function.

Submission:

Myriad Genetics, Inc.
Classification: Benign for Lynch syndrome 5. Last evaluated: 2024-12-30. Review status: criteria provided, single submitter. Criteria: Myriad Autosomal Dominant, Autosomal Recessive and X-Linked Classification Criteria (2023). Collection method: clinical testing. Allele origin: unknown.
Comment: This variant is considered benign. This variant is a silent/synonymous amino acid change and it is not expected to impact splicing.